The following is an entry in ClinVar:

ClinVar aggregate classification (germline): Uncertain significance. Review status: criteria provided, multiple submitters, no conflicts (2 of 4 stars). 2 submissions from 2 submitters: Uncertain significance (2). Last evaluated 2024-10-17.

Conditions:
Growth hormone insensitivity syndrome with immune dysregulation 2, autosomal dominant. Identifiers: MedGen C5436546, MONDO:0100219, OMIM 618985.
Growth hormone insensitivity with immune dysregulation 1, autosomal recessive. Also called: GROWTH HORMONE INSENSITIVITY DUE TO POSTRECEPTOR DEFECT; LARON SYNDROME DUE TO POSTRECEPTOR DEFECT; Laron syndrome with immunodeficiency; GROWTH HORMONE INSENSITIVITY SYNDROME WITH IMMUNE DYSREGULATION 1, AUTOSOMAL RECESSIVE. Identifiers: Orphanet 220465, MedGen C5435698, MONDO:0100211, OMIM 245590.

Allele frequency attached by ClinVar (database versions not stated): ExAC 0.00002; TOPMed 0.00004; gnomAD 0.00005; ESP Exome Variant Server 0.00008.
gnomAD v4.1: 22 of 1,614,126 alleles (0.0014%); highest among the groups gnomAD compares: African/African-American, 0.015%; no homozygotes.

Submissions (2):

Labcorp Genetics (formerly Invitae), Labcorp
Classification: Uncertain significance for Growth hormone insensitivity with immune dysregulation 1, autosomal recessive. Last evaluated: 2024-10-17. Review status: criteria provided, single submitter. Criteria: Invitae Variant Classification Sherloc (09022015). Collection method: clinical testing. Allele origin: germline.
Comment: This sequence change replaces threonine, which is neutral and polar, with methionine, which is neutral and non-polar, at codon 724 of the STAT5B protein (p.Thr724Met). This variant is present in population databases (rs139131471, gnomAD 0.02%). This variant has not been reported in the literature in individuals affected with STAT5B-related conditions. ClinVar contains an entry for this variant (Variation ID: 2575224). An algorithm developed to predict the effect of missense changes on protein structure and function (PolyPhen-2) suggests that this variant is likely to be disruptive. In summary, the available evidence is currently insufficient to determine the role of this variant in disease. Therefore, it has been classified as a Variant of Uncertain Significance.

Johns Hopkins Genomics, Johns Hopkins University
Classification: Uncertain significance for Growth hormone insensitivity syndrome with immune dysregulation 2, autosomal dominant. Last evaluated: 2023-07-03. Review status: criteria provided, single submitter. Criteria: ACMG Guidelines, 2015. Collection method: clinical testing. Allele origin: germline.
Comment: This STAT5B missense variant (rs139131471) is rare (<0.1%) in a large population dataset (gnomAD v2.1.1: 9/282736 total alleles; 0.003%; no homozygotes). It has not been reported in ClinVar, nor the literature, to our knowledge. Two bioinformatic tools queried predict that this substitution would be damaging. Of note, these algorithms have low specificity, especially for predicting gain of function or dominant negative variants. The threonine residue at this position is evolutionarily conserved across many of the species assessed. We consider the clinical significance of c.2171C>T in STAT5B to be uncertain at this time.

Literature cited by the submitters: PubMed 29844444 (cited by Johns Hopkins Genomics, Johns Hopkins University); PubMed 31690038 (cited by Johns Hopkins Genomics, Johns Hopkins University).

NM_012448.4(STAT5B):c.2171C>T (p.Thr724Met)

Gene: STAT5B (signal transducer and activator of transcription 5B; minus strand). Cytogenetic location: 17q21.2.
Variant type: single nucleotide variant.
Coding change: c.2171C>T on transcript NM_012448.4 (MANE Select); coding-DNA position 2171, C replaced by T.
Protein change: p.Thr724Met; replaces threonine 724 with methionine.
Molecular consequence: missense variant.
Genome position (GRCh38, 1-based): chr17:42,202,406, G>A on the plus strand (C>T on the coding strand, the complement: STAT5B is on the minus strand). VCF-style: chr17-42202406-G-A. GRCh37 (hg19) VCF-style: chr17-40354424-G-A.
Other names: short protein forms T724M.
Identifiers: ClinVar variation 2575224 (VCV002575224.5), dbSNP rs139131471, ClinGen allele CA8573836.